The following is an entry in ClinVar:

ClinVar aggregate classification (germline): Uncertain significance (1 of 4 stars; one submission).

Allele frequency attached by ClinVar (database versions not stated): gnomAD exomes below 0.00001; TOPMed below 0.00001; ExAC 0.00001.
gnomAD v4.1: 3 of 1,614,148 alleles (0.00019%); highest among the groups gnomAD compares: Non-Finnish European, 0.00017%; no homozygotes.

Submission:

Labcorp Genetics (formerly Invitae), Labcorp
Classification: Uncertain significance. Last evaluated: 2022-07-28. Review status: criteria provided, single submitter. Criteria: Invitae Variant Classification Sherloc (09022015). Collection method: clinical testing. Allele origin: germline.
Comment: In summary, the available evidence is currently insufficient to determine the role of this variant in disease. Therefore, it has been classified as a Variant of Uncertain Significance. Algorithms developed to predict the effect of missense changes on protein structure and function are either unavailable or do not agree on the potential impact of this missense change (SIFT: "Deleterious"; PolyPhen-2: "Benign"; Align-GVGD: "Class C0"). This variant has not been reported in the literature in individuals affected with CTNNB1-related conditions. This variant is present in population databases (rs779588249, gnomAD 0.0009%). This sequence change replaces arginine, which is basic and polar, with histidine, which is basic and polar, at codon 550 of the CTNNB1 protein (p.Arg550His).

NM_001904.4(CTNNB1):c.1649G>A (p.Arg550His)

Genes: CTNNB1 (catenin beta 1; plus strand), LOC126806659 (BRD4-independent group 4 enhancer GRCh37_chr3:41274918-41276117; plus strand). Cytogenetic location: 3p22.1.
Variant type: single nucleotide variant.
Coding change: c.1649G>A on transcript NM_001904.4 (MANE Select); coding-DNA position 1649, G replaced by A.
Protein change: p.Arg550His; replaces arginine 550 with histidine.
Molecular consequence: missense variant.
Genome position (GRCh38, 1-based): chr3:41,234,263, G>A. VCF-style: chr3-41234263-G-A. GRCh37 (hg19) VCF-style: chr3-41275754-G-A.
Other names: c.1649G>A, p.Arg550His (NM_001098209.2, NM_001098210.2); c.1628G>A, p.Arg543His (NM_001330729.2); short protein forms R543H, R550H.
Identifiers: ClinVar variation 1912892 (VCV001912892.5), dbSNP rs779588249, ClinGen allele CA2331130.
Genomic context (GRCh38, chr3:41,234,263, plus strand): 5'-AGGGTGCCATTCCACGACTAGTTCAGTTGCTTGTTCGTGCACATCAGGATACCCAGCGCC[G>A]TACGTCCATGGGTGGGACACAGCAGCAATTTGTGGTAGGTAAATTCTTACAGTGATACCT-3'
Protein context (NP_001895.1, residues 540-560): LVRAHQDTQR[Arg550His]TSMGGTQQQF